The following is an entry in ClinVar:

NM_001084.5(PLOD3):c.1818T>A (p.Asn606Lys)

Gene: PLOD3 (procollagen-lysine,2-oxoglutarate 5-dioxygenase 3; minus strand). Cytogenetic location: 7q22.1.
Variant type: single nucleotide variant.
Coding change: c.1818T>A on transcript NM_001084.5 (MANE Select); coding-DNA position 1818, T replaced by A.
Protein change: p.Asn606Lys; replaces asparagine 606 with lysine.
Molecular consequence: missense variant.
Genome position (GRCh38, 1-based): chr7:101,207,695, A>T on the plus strand (T>A on the coding strand, the complement: PLOD3 is on the minus strand). VCF-style: chr7-101207695-A-T. GRCh37 (hg19) VCF-style: chr7-100850976-A-T.
Other names: short protein forms N606K.
Identifiers: ClinVar variation 3371456 (VCV003371456.1).
Genomic context (GRCh38, chr7:101,207,695, plus strand): 5'-CAGCTGCAGCCACTGGTCCTCGTACCCCACCTGCTTCATGTGGATGTCCACGGTGGGCAC[A>T]TTCTCGTAGCCTCCAGCCAGCCTTGAATCCTGGGGGCGGCGGGCACTGAGCCACCCGCCC-3'
Protein context (NP_001075.1, residues 596-616): EDSRLAGGYE[Asn606Lys]VPTVDIHMKQ

ClinVar aggregate classification (germline): Uncertain significance (1 of 4 stars; one submission).

Submission:

GeneDx
Classification: Uncertain significance. Last evaluated: 2024-03-24. Review status: criteria provided, single submitter. Criteria: GeneDx Variant Classification Process June 2021. Collection method: clinical testing. Allele origin: germline. Affected: yes.
Comment: Not observed at significant frequency in large population cohorts (gnomAD); In silico analysis supports that this missense variant has a deleterious effect on protein structure/function; Has not been previously published as pathogenic or benign to our knowledge